The following is an entry in ClinVar:

NC_000009.12:g.35658033_35658035dup

Gene: RMRP (RNA component of mitochondrial RNA processing endoribonuclease; minus strand). Cytogenetic location: 9p13.3.
Variant type: Duplication.
Genome position: GRCh38 VCF-style: chr9-35658032-C-CACA. GRCh37 (hg19) VCF-style: chr9-35658029-C-CACA.
Other names: NR_003051.3(RMRP):n.-17_-15dupTGT.
Identifiers: ClinVar variation 558632 (VCV000558632.3), dbSNP rs1554651531, ClinGen allele CA658821614.

ClinVar aggregate classification (germline): Uncertain significance. Review status: reviewed by expert panel (3 of 4 stars). 2 submissions from 2 submitters: Uncertain significance (1). 1 of the submissions does not count toward it. Last evaluated 2025-06-10.

Conditions:
Metaphyseal chondrodysplasia, McKusick type (CHH). Also called: Cartilage-Hair Hypoplasia (CHH); Cartilage-hair hypoplasia. Identifiers: Orphanet 175, MedGen C0220748, MONDO:0009595, OMIM 250250.

Submissions (2):

ClinGen Severe Combined Immunodeficiency Variant Curation Expert Panel, ClinGen
Classification: Uncertain significance for Metaphyseal chondrodysplasia, McKusick type. Last evaluated: 2025-06-10. Review status: reviewed by expert panel. Criteria: ClinGen SCID ACMG Specifications RMRP V1.0.0. Collection method: curation. Allele origin: germline. Inheritance: Autosomal recessive inheritance.
Comment: The variant NC_000009.12:g.35658033_35658035dup is absent in population databases such as gnomAD v4. PM2_Supporting This variant creates an extension of 3 nucleotides, increasing the distance between the TATA box (spanning n.-32 to n.-24) and the transcription start site (n.1) PM1_Strong. However, the insertion is only 3 nucleotides and therefore this criterion is not met. The variant has not been described in patients with cartilage-hair hypoplasia or in trans with any other RMRP variant In summary, this variant is classified as Uncertain significance: PM2_Supporting, PM1_Strong.

Counsyl
Classification: Uncertain significance for Metaphyseal chondrodysplasia, McKusick type. Last evaluated: 2018-06-05. Review status: no assertion criteria provided. Collection method: clinical testing. Allele origin: unknown. Not counted in ClinVar's aggregate classification.